The following is an entry in ClinVar:

ClinVar aggregate classification (germline): Likely benign (1 of 4 stars; one submission).

Submission:

CeGaT Center for Human Genetics Tuebingen
Classification: Likely benign. Last evaluated: 2023-10-01. Review status: criteria provided, single submitter. Criteria: CeGaT Center For Human Genetics Tuebingen Variant Classification Criteria Version 2. Collection method: clinical testing. Allele origin: germline. Affected: yes. Observed: 1 variant allele.
Comment: IL17REL: PM2:Supporting, BP4, BP7

NM_001371417.1(IL17REL):c.936G>C (p.Gly312=)

Gene: IL17REL (interleukin 17 receptor E like; minus strand). Cytogenetic location: 22q13.33.
Variant type: single nucleotide variant.
Coding change: c.936G>C on transcript NM_001371417.1 (MANE Select); coding-DNA position 936, G replaced by C.
Protein change: p.Gly312=; no amino-acid change (glycine 312 retained).
Molecular consequence: synonymous variant.
Genome position (GRCh38, 1-based): chr22:49,998,191, C>G on the plus strand (G>C on the coding strand, the complement: IL17REL is on the minus strand). VCF-style: chr22-49998191-C-G. GRCh37 (hg19) VCF-style: chr22-50436620-C-G.
Other names: c.720G>C, p.Gly240= (NM_001001694.3); c.936G>C, p.Gly312= (NM_001371416.1).
Identifiers: ClinVar variation 2653358 (VCV002653358.24), dbSNP rs777830840, ClinGen allele CA515107182.